The following is an entry in ClinVar:

NM_000465.4(BARD1):c.2166C>T (p.Tyr722=)

Gene: BARD1 (BRCA1 associated RING domain 1; minus strand). Cytogenetic location: 2q35.
Variant type: single nucleotide variant.
Coding change: c.2166C>T on transcript NM_000465.4 (MANE Select); coding-DNA position 2166, C replaced by T.
Protein change: p.Tyr722=; no amino-acid change (tyrosine 722 retained).
Molecular consequence: synonymous variant. On other transcripts: non-coding transcript variant (3).
Genome position (GRCh38, 1-based): chr2:214,728,844, G>A on the plus strand (C>T on the coding strand, the complement: BARD1 is on the minus strand). VCF-style: chr2-214728844-G-A. GRCh37 (hg19) VCF-style: chr2-215593568-G-A.
Other names: c.2109C>T, p.Tyr703= (NM_001282543.2); c.813C>T, p.Tyr271= (NM_001282545.2); c.756C>T, p.Tyr252= (NM_001282548.2); c.627C>T, p.Tyr209= (NM_001282549.2); c.2166C>T (NM_000465.2).
Identifiers: ClinVar variation 2003912 (VCV002003912.6), dbSNP rs2105987094, ClinGen allele CA431393398.

ClinVar aggregate classification (germline): Benign/Likely benign. Review status: criteria provided, multiple submitters, no conflicts (2 of 4 stars). 3 submissions from 3 submitters: Benign (1); Likely benign (2). Last evaluated 2025-10-13.

Conditions:
Hereditary cancer-predisposing syndrome. Also called: Hereditary neoplastic syndrome; Hereditary Cancer Syndrome; Tumor predisposition; Neoplastic Syndromes, Hereditary. Identifiers: Orphanet 140162, MedGen C0027672, MeSH D009386, MONDO:0015356.
Familial cancer of breast. Also called: hereditary breast carcinoma; Hereditary breast cancer; BREAST CANCER, FAMILIAL. Identifiers: Orphanet 227535, MedGen C0346153, MONDO:0016419, OMIM 114480. Disease mechanism: loss of function.

Submissions (3):

Ambry Genetics
Classification: Likely benign for Hereditary cancer-predisposing syndrome. Last evaluated: 2025-10-13. Review status: criteria provided, single submitter. Criteria: Ambry Variant Classification Scheme 2023. Collection method: clinical testing. Allele origin: germline.

Myriad Genetics, Inc.
Classification: Benign for Familial cancer of breast. Last evaluated: 2024-07-30. Review status: criteria provided, single submitter. Criteria: Myriad Autosomal Dominant, Autosomal Recessive and X-Linked Classification Criteria (2023). Collection method: clinical testing. Allele origin: unknown.
Comment: This variant is considered benign. This variant is a silent/synonymous amino acid change and it is not expected to impact splicing.

Labcorp Genetics (formerly Invitae), Labcorp
Classification: Likely benign for Familial cancer of breast. Last evaluated: 2022-06-09. Review status: criteria provided, single submitter. Criteria: Invitae Variant Classification Sherloc (09022015). Collection method: clinical testing. Allele origin: germline.